The following is an entry in ClinVar:

NM_025074.7(FRAS1):c.8959-11A>G

Gene: FRAS1 (Fraser extracellular matrix complex subunit 1; plus strand). Cytogenetic location: 4q21.21.
Variant type: single nucleotide variant.
Coding change: c.8959-11A>G on transcript NM_025074.7 (MANE Select); 11 bases into the intron before coding-DNA position 8959, A replaced by G.
Molecular consequence: intron variant.
Genome position (GRCh38, 1-based): chr4:78,496,794, A>G. VCF-style: chr4-78496794-A-G. GRCh37 (hg19) VCF-style: chr4-79417948-A-G.
Identifiers: ClinVar variation 349778 (VCV000349778.13), dbSNP rs112232078, ClinGen allele CA2978545.
Genomic context (GRCh38, chr4:78,496,794, plus strand): 5'-TTCTAGGAAAACCAAGCAAATCACTGATATCTTGCTGAAAATTTTAATCTGTCTTGTGCC[A>G]TTGGCTCTAGGTGAAGAACTGTACGGTCTATATCCACGATGACTCCATGTTTGAGCCAGA-3'

ClinVar aggregate classification (germline): Benign. Review status: criteria provided, multiple submitters, no conflicts (2 of 4 stars). 3 submissions from 3 submitters: Benign (3). Last evaluated 2026-02-01.

Conditions:
Fraser syndrome 1 (FRASRS1). Also called: CRYPTOPHTHALMOS WITH OTHER MALFORMATIONS. Identifiers: Orphanet 2052, MedGen C4551480, MONDO:0054737, OMIM 219000.

Allele frequency attached by ClinVar (database versions not stated): gnomAD exomes 0.00166 and 0.00327; ExAC 0.00402; gnomAD 0.00954 and 0.00985; ESP Exome Variant Server 0.00967; TOPMed 0.01008; 1000 Genomes Project 0.01098; 1000 Genomes Project 30x 0.01140.
gnomAD v4.1: 3,971 of 1,607,954 alleles (0.25%); highest among the groups gnomAD compares: African/African-American, 3%; 52 homozygotes.

Submissions (3):

Labcorp Genetics (formerly Invitae), Labcorp
Classification: Benign. Last evaluated: 2026-02-01. Review status: criteria provided, single submitter. Criteria: Invitae Variant Classification Sherloc (09022015). Collection method: clinical testing. Allele origin: germline.

Illumina Laboratory Services, Illumina
Classification: Benign for Fraser syndrome 1. Last evaluated: 2018-01-13. Review status: criteria provided, single submitter. Criteria: ICSL Variant Classification Criteria 13 December 2019. Collection method: clinical testing. Allele origin: germline.
Comment: This variant was observed in the ICSL laboratory as part of a predisposition screen in an ostensibly healthy population. It had not been previously curated by ICSL or reported in the Human Gene Mutation Database (HGMD: prior to June 1st, 2018), and was therefore a candidate for classification through an automated scoring system. Utilizing variant allele frequency, disease prevalence and penetrance estimates, and inheritance mode, an automated score was calculated to assess if this variant is too frequent to cause the disease. Based on the score and internal cut-off values, a variant classified as benign is not then subjected to further curation. The score for this variant resulted in a classification of benign for this disease.

Breakthrough Genomics
Classification: Benign. Review status: criteria provided, single submitter. Criteria: ACMG Guidelines, 2015. Collection method: not provided. Allele origin: germline. Inheritance: Autosomal recessive inheritance. Affected: yes.